The following is an entry in ClinVar:

ClinVar aggregate classification (germline): Pathogenic. Review status: criteria provided, multiple submitters, no conflicts (2 of 4 stars). 2 submissions from 2 submitters: Pathogenic (2). Last evaluated 2025-11-04.

Conditions:
Congenital myasthenic syndrome (CMS). Also called: Congenital Myasthenic Syndromes. Identifiers: Orphanet 590, MedGen C0751882, MeSH D020294, MONDO:0018940.
Congenital myasthenic syndrome 4A. Also called: Myasthenic syndrome, congenital, 4a, slow-channel; CONGENITAL MYASTHENIC SYNDROME TYPE Ia1; MYASTHENIC SYNDROME, CONGENITAL, 4A, SLOW-CHANNEL, AUTOSOMAL RECESSIVE. Identifiers: Orphanet 590, MedGen C4225413, MONDO:0011600, OMIM 605809.

Allele frequency attached by ClinVar (database versions not stated): gnomAD exomes below 0.00001.

Submissions (2):

Myriad Genetics, Inc.
Classification: Pathogenic for Congenital myasthenic syndrome. Last evaluated: 2025-11-04. Review status: criteria provided, single submitter. Criteria: Myriad Autosomal Dominant, Autosomal Recessive and X-Linked Classification Criteria (2023). Collection method: clinical testing. Allele origin: unknown.
Comment: NM_000080.3(CHRNE):c.1323dupC(E442Rfs*14) is a frameshift variant classified as pathogenic in the context of congenital myasthenic syndrome, CHRNE-related. E442Rfs*14 has not been observed in cases with relevant disease. Relevant functional assessments of this variant are not available in the literature. E442Rfs*14 has not been observed in referenced population frequency databases. In summary, NM_000080.3(CHRNE):c.1323dupC(E442Rfs*14) is a frameshift variant in a gene where loss of function is a known mechanism of disease and is predicted to disrupt protein function. Please note: this variant was assessed in the context of healthy population screening.

Labcorp Genetics (formerly Invitae), Labcorp
Classification: Pathogenic for Congenital myasthenic syndrome 4A. Last evaluated: 2024-05-29. Review status: criteria provided, single submitter. Criteria: Invitae Variant Classification Sherloc (09022015). Collection method: clinical testing. Allele origin: germline.
Comment: This sequence change creates a premature translational stop signal (p.Glu442Argfs*14) in the CHRNE gene. While this is not anticipated to result in nonsense mediated decay, it is expected to disrupt the last 52 amino acid(s) of the CHRNE protein. This variant is not present in population databases (gnomAD no frequency). This variant has not been reported in the literature in individuals affected with CHRNE-related conditions. ClinVar contains an entry for this variant (Variation ID: 655554). This variant disrupts a region of the CHRNE protein in which other variant(s) (p.Asn452Glufs*4) have been determined to be pathogenic (PMID: 8957026, 15951177, 19064877, 21175599, 28024842, 29054425). This suggests that this is a clinically significant region of the protein, and that variants that disrupt it are likely to be disease-causing. For these reasons, this variant has been classified as Pathogenic.

Literature cited by the submitters: PubMed 8957026 (cited by Labcorp Genetics (formerly Invitae), Labcorp); PubMed 15951177 (cited by Labcorp Genetics (formerly Invitae), Labcorp); PubMed 19064877 (cited by Labcorp Genetics (formerly Invitae), Labcorp); PubMed 21175599 (cited by Labcorp Genetics (formerly Invitae), Labcorp); PubMed 28024842 (cited by Labcorp Genetics (formerly Invitae), Labcorp); PubMed 29054425 (cited by Labcorp Genetics (formerly Invitae), Labcorp).

NM_000080.4(CHRNE):c.1323dup (p.Glu442fs)

Gene: CHRNE (cholinergic receptor nicotinic epsilon subunit; minus strand). Cytogenetic location: 17p13.2.
Variant type: Duplication.
Coding change: c.1323dup on transcript NM_000080.4 (MANE Select); coding-DNA position 1323, one base duplicated (C; older notation c.1323dupC).
Protein change: p.Glu442fs; shifts the reading frame from glutamic acid 442.
Molecular consequence: frameshift variant.
Genome position (GRCh38, 1-based): chr17:4,899,004, G duplicated on the plus strand (C on the coding strand, the reverse complement: CHRNE is on the minus strand). VCF-style (leftmost placement, unchanged base first): chr17-4899003-C-CG. GRCh37 (hg19) VCF-style: chr17-4802298-C-CG.
Other names: short protein forms E442fs.
Identifiers: ClinVar variation 655554 (VCV000655554.9), dbSNP rs1597613302, ClinGen allele CA915949468.